The following is an entry in ClinVar:

ClinVar aggregate classification (germline): Conflicting classifications of pathogenicity. Review status: criteria provided, conflicting classifications (1 of 4 stars). 4 submissions from 4 submitters: Likely pathogenic (3); Uncertain significance (1). Last evaluated 2026-06-03.

Conditions:
Hereditary cancer-predisposing syndrome. Also called: Tumor predisposition; Neoplastic Syndromes, Hereditary; Hereditary neoplastic syndrome; Hereditary Cancer Syndrome. Identifiers: Orphanet 140162, MedGen C0027672, MeSH D009386, MONDO:0015356.
Familial cancer of breast. Also called: Hereditary breast cancer; BREAST CANCER, FAMILIAL; hereditary breast carcinoma. Identifiers: Orphanet 227535, MedGen C0346153, MONDO:0016419, OMIM 114480. Disease mechanism: loss of function.

Allele frequency attached by ClinVar (database versions not stated): gnomAD exomes below 0.00001; TOPMed below 0.00001.
gnomAD v4.1: 2 of 1,593,892 alleles (0.00013%); highest among the groups gnomAD compares: South Asian, 0.0011%; no homozygotes.

Submissions (4):

Ambry Genetics
Classification: Likely pathogenic for Hereditary cancer-predisposing syndrome. Last evaluated: 2026-06-03. Review status: criteria provided, single submitter. Criteria: Ambry Variant Classification Scheme 2023. Collection method: clinical testing. Allele origin: germline.
Comment: The c.2997-1G>A intronic alteration consists of a G to A substitution one nucleotide before coding exon 10 of the PALB2 gene. Based on data from gnomAD, the A allele has an overall frequency of <0.001% (1/251370) total alleles studied. The highest observed frequency was 0.003% (1/30614) of South Asian alleles. This nucleotide position is highly conserved in available vertebrate species. RNA studies have demonstrated that this alteration results in abnormal splicing in the set of samples tested (Ambry internal data, Valenzuela-Palomo, 2022). In silico splice site analysis predicts that this alteration will weaken the native splice acceptor site and will result in the creation or strengthening of a novel splice acceptor site. Based on the available evidence, this alteration is classified as likely pathogenic.

Labcorp Genetics (formerly Invitae), Labcorp
Classification: Uncertain significance for Familial cancer of breast. Last evaluated: 2023-11-02. Review status: criteria provided, single submitter. Criteria: Invitae Variant Classification Sherloc (09022015). Collection method: clinical testing. Allele origin: germline.
Comment: This sequence change affects an acceptor splice site in intron 9 of the PALB2 gene. It is expected to disrupt RNA splicing. Variants that disrupt the donor or acceptor splice site typically lead to a loss of protein function (PMID: 16199547), and loss-of-function variants in PALB2 are known to be pathogenic (PMID: 17200668, 17200671, 17200672, 24136930, 25099575). This variant is present in population databases (rs754465466, gnomAD 0.003%). This variant has not been reported in the literature in individuals affected with PALB2-related conditions. ClinVar contains an entry for this variant (Variation ID: 822478). Experimental studies have shown that sequence changes at this splice site disrupt the consensus splice site and strengthen a cryptic acceptor site in exon 10, located 3 nucleotides downstream of the natural splice site. This results in an alternative transcript with an in-frame deletion of one of three consecutive glycines located in the linker region between blade 3 and blade 4, but otherwise preserves the integrity of the reading frame (PMID: 30890586). Also, this alternative transcript has been shown to occur naturally in healthy individuals (PMID: 30890586). These studies suggest that the clinical significance of this splice variant may be uncertain. In summary, the available evidence is currently insufficient to determine the role of this variant in disease. Therefore, it has been classified as a Variant of Uncertain Significance.

Myriad Genetics, Inc.
Classification: Likely pathogenic for Familial cancer of breast. Last evaluated: 2023-09-14. Review status: criteria provided, single submitter. Criteria: Myriad Autosomal Dominant, Autosomal Recessive and X-Linked Classification Criteria (2023). Collection method: clinical testing. Allele origin: unknown.
Comment: This variant is considered likely pathogenic. This variant occurs within a consensus splice junction and is predicted to result in abnormal mRNA splicing of either an out-of-frame exon or an in-frame exon necessary for protein stability and/or normal function.

Color Diagnostics, LLC DBA Color Health
Classification: Likely pathogenic for Hereditary cancer-predisposing syndrome. Last evaluated: 2018-12-23. Review status: criteria provided, single submitter. Criteria: ACMG Guidelines, 2015. Collection method: clinical testing. Allele origin: germline.

Literature cited by the submitters: PubMed 34846068 (cited by Ambry Genetics); PubMed 16199547 (cited by Labcorp Genetics (formerly Invitae), Labcorp); PubMed 17200668 (cited by Labcorp Genetics (formerly Invitae), Labcorp); PubMed 17200671 (cited by Labcorp Genetics (formerly Invitae), Labcorp); PubMed 17200672 (cited by Labcorp Genetics (formerly Invitae), Labcorp); PubMed 24136930 (cited by Labcorp Genetics (formerly Invitae), Labcorp); PubMed 25099575 (cited by Labcorp Genetics (formerly Invitae), Labcorp); PubMed 30890586 (cited by Labcorp Genetics (formerly Invitae), Labcorp).

NM_024675.4(PALB2):c.2997-1G>A

Gene: PALB2 (partner and localizer of BRCA2; minus strand). Cytogenetic location: 16p12.2.
Variant type: single nucleotide variant.
Coding change: c.2997-1G>A on transcript NM_024675.4 (MANE Select); the canonical splice acceptor site of the intron before coding-DNA position 2997, G replaced by A.
Molecular consequence: splice acceptor variant. On other transcripts: intron variant (1).
Genome position (GRCh38, 1-based): chr16:23,621,479, C>T on the plus strand (G>A on the coding strand, the complement: PALB2 is on the minus strand). VCF-style: chr16-23621479-C-T. GRCh37 (hg19) VCF-style: chr16-23632800-C-T.
Other names: c.2112-1G>A (NM_001407308.1, NM_001407306.1, NM_001407309.1 and 4 more transcripts); c.531-1G>A (NM_001407314.1); c.1209-1G>A (NM_001407313.1, NM_001407312.1); c.2937-1G>A (NM_001407296.1); c.2925-1G>A (NM_001407297.1); c.2835-1G>A (NM_001407302.1, NM_001407298.1); c.2834+2530G>A (NM_001407300.1); c.2997-1G>A (NM_001407299.1, NM_001407301.1); and 1 more.
Identifiers: ClinVar variation 822478 (VCV000822478.13), dbSNP rs754465466, ClinGen allele CA7963447.